The following is an entry in ClinVar:

NM_005026.5(PIK3CD):c.371-18G>C

Gene: PIK3CD (phosphatidylinositol-4,5-bisphosphate 3-kinase catalytic subunit delta; plus strand). Cytogenetic location: 1p36.22.
Variant type: single nucleotide variant.
Coding change: c.371-18G>C on transcript NM_005026.5 (MANE Select); 18 bases into the intron before coding-DNA position 371, G replaced by C.
Molecular consequence: intron variant.
Genome position (GRCh38, 1-based): chr1:9,715,831, G>C. VCF-style: chr1-9715831-G-C. GRCh37 (hg19) VCF-style: chr1-9775889-G-C.
Other names: c.371-18G>C (NM_001350234.2, NM_001350235.1).
Identifiers: ClinVar variation 931515 (VCV000931515.4), dbSNP rs1647322437, ClinGen allele CA998458878.

ClinVar aggregate classification (germline): Conflicting classifications of pathogenicity. Review status: criteria provided, conflicting classifications (1 of 4 stars). 2 submissions from 2 submitters: Uncertain significance (1); Likely benign (1). Last evaluated 2024-11-25.

Conditions:
Immunodeficiency 14 (IMD14A). Also called: p110-DELTA-ACTIVATING MUTATION CAUSING SENESCENT T CELLS, LYMPHADENOPATHY, AND IMMUNODEFICIENCY; Activated PI3K Delta Syndrome Type 1 (APDS1); IMMUNODEFICIENCY 14A WITH LYMPHOPROLIFERATION, AUTOSOMAL DOMINANT; ACTIVATED PI3K-DELTA SYNDROME 1. Identifiers: Orphanet 397596, Orphanet 693661, MedGen C5907821, MONDO:0014222, OMIM 615513.

Submissions (2):

Blueprint Genetics
Classification: Likely benign. Last evaluated: 2024-11-25. Review status: criteria provided, single submitter. Criteria: ACMG Guidelines, 2015. Collection method: clinical testing. Allele origin: germline.

Centre for Mendelian Genomics, University Medical Centre Ljubljana
Classification: Uncertain significance for Immunodeficiency 14. Last evaluated: 2019-06-21. Review status: criteria provided, single submitter. Criteria: ACMG Guidelines, 2015. Collection method: clinical testing. Allele origin: unknown. Affected: yes.
Comment: This variant was classified as: Uncertain significance. The available evidence on this variant's pathogenicity is insufficient or conflicting. The following ACMG criteria were applied in classifying this variant: PM2,PB4.